The following is an entry in ClinVar:

NM_002429.6(MMP19):c.481C>T (p.Arg161Cys)

Gene: MMP19 (matrix metallopeptidase 19; minus strand). Cytogenetic location: 12q13.2.
Variant type: single nucleotide variant.
Coding change: c.481C>T on transcript NM_002429.6 (MANE Select); coding-DNA position 481, C replaced by T.
Protein change: p.Arg161Cys; replaces arginine 161 with cysteine.
Molecular consequence: missense variant. On other transcripts: non-coding transcript variant (2).
Genome position (GRCh38, 1-based): chr12:55,840,706, G>A on the plus strand (C>T on the coding strand, the complement: MMP19 is on the minus strand). VCF-style: chr12-55840706-G-A. GRCh37 (hg19) VCF-style: chr12-56234490-G-A.
Other names: c.481C>T, p.Arg161Cys (NM_001272101.2, NM_001414375.1); c.244C>T, p.Arg82Cys (NM_022791.2); short protein forms R161C, R82C.
Identifiers: ClinVar variation 3158151 (VCV003158151.19), dbSNP rs145356388, ClinGen allele CA6618718.

ClinVar aggregate classification (germline): Conflicting classifications of pathogenicity. Review status: criteria provided, conflicting classifications (1 of 4 stars). 2 submissions from 2 submitters: Uncertain significance (1); Likely benign (1). Last evaluated 2025-04-24.

Allele frequency attached by ClinVar (database versions not stated): ExAC 0.00006; ESP Exome Variant Server 0.00008; gnomAD 0.00015; gnomAD exomes 0.00024.

Submissions (2):

Ambry Genetics
Classification: Uncertain significance. Last evaluated: 2025-04-24. Review status: criteria provided, single submitter. Criteria: Ambry Variant Classification Scheme 2023. Collection method: clinical testing. Allele origin: germline.

CeGaT Center for Human Genetics Tuebingen
Classification: Likely benign. Last evaluated: 2024-06-01. Review status: criteria provided, single submitter. Criteria: CeGaT Center For Human Genetics Tuebingen Variant Classification Criteria Version 2. Collection method: clinical testing. Allele origin: germline. Affected: yes. Observed: 1 variant allele.
Comment: MMP19: BP4